The following is an entry in ClinVar:

ClinVar aggregate classification (germline): Uncertain significance (1 of 4 stars; one submission).

gnomAD v4.1: 5 of 1,614,114 alleles (0.00031%); highest among the groups gnomAD compares: Non-Finnish European, 0.00042%; no homozygotes.

Submission:

CeGaT Center for Human Genetics Tuebingen
Classification: Uncertain significance. Last evaluated: 2026-03-01. Review status: criteria provided, single submitter. Criteria: CeGaT Center For Human Genetics Tuebingen Variant Classification Criteria Version 2. Collection method: clinical testing. Allele origin: germline. Affected: yes. Observed: 1 variant allele.
Comment: PTPN22: PM2, BP4

NM_015967.8(PTPN22):c.1138T>C (p.Phe380Leu)

Genes: AP4B1-AS1 (AP4B1 antisense RNA 1; plus strand), PTPN22 (protein tyrosine phosphatase non-receptor type 22; minus strand). Cytogenetic location: 1p13.2.
Variant type: single nucleotide variant.
Coding change: c.1138T>C on transcript NM_015967.8 (MANE Select); coding-DNA position 1138, T replaced by C.
Protein change: p.Phe380Leu; replaces phenylalanine 380 with leucine.
Molecular consequence: missense variant.
Genome position (GRCh38, 1-based): chr1:113,838,262, A>G on the plus strand (T>C on the coding strand, the complement: PTPN22 is on the minus strand). VCF-style: chr1-113838262-A-G. GRCh37 (hg19) VCF-style: chr1-114380884-A-G.
Other names: c.1138T>C, p.Phe380Leu (NM_001193431.3); c.1066T>C, p.Phe356Leu (NM_001308297.2); c.973T>C, p.Phe325Leu (NM_012411.6); short protein forms F325L, F356L, F380L.
Identifiers: ClinVar variation 4823494 (VCV004823494.4).
Genomic context (GRCh38, chr1:113,838,262, plus strand): 5'-TTGTCTGCCATTTCATGGTTGTGTCAGCATTTTTGTCAAAACTGTAATTTAGCTCCAGAA[A>G]GTCAAAAGAAGTGCTTGATTTAGCAGGGTGCAAAACTAGCTCTTCTTTTGCACTTATTTC-3'
Protein context (NP_057051.4, residues 370-390): HPAKSSTSFD[Phe380Leu]LELNYSFDKN